The following is an entry in ClinVar:

NM_015375.3(DSTYK):c.1969G>C (p.Glu657Gln)

Gene: DSTYK (dual serine/threonine and tyrosine protein kinase; minus strand). Cytogenetic location: 1q32.1.
Variant type: single nucleotide variant.
Coding change: c.1969G>C on transcript NM_015375.3 (MANE Select); coding-DNA position 1969, G replaced by C.
Protein change: p.Glu657Gln; replaces glutamic acid 657 with glutamine.
Molecular consequence: missense variant.
Genome position (GRCh38, 1-based): chr1:205,160,250, C>G on the plus strand (G>C on the coding strand, the complement: DSTYK is on the minus strand). VCF-style: chr1-205160250-C-G. GRCh37 (hg19) VCF-style: chr1-205129378-C-G.
Other names: c.1969G>C, p.Glu657Gln (NM_199462.3); short protein forms E657Q.
Identifiers: ClinVar variation 2908359 (VCV002908359.3), dbSNP rs1460909694, ClinGen allele CA344393899.

ClinVar aggregate classification (germline): Uncertain significance (1 of 4 stars; one submission).

Allele frequency attached by ClinVar (database versions not stated): TOPMed 0.00002; gnomAD 0.00001.
gnomAD v4.1: 2 of 1,613,984 alleles (0.00012%); highest among the groups gnomAD compares: Admixed American, 0.0033%; no homozygotes.

Submission:

Labcorp Genetics (formerly Invitae), Labcorp
Classification: Uncertain significance. Last evaluated: 2025-10-02. Review status: criteria provided, single submitter. Criteria: Invitae Variant Classification Sherloc (09022015). Collection method: clinical testing. Allele origin: germline.
Comment: This sequence change replaces glutamic acid, which is acidic and polar, with glutamine, which is neutral and polar, at codon 657 of the DSTYK protein (p.Glu657Gln). This variant is not present in population databases (gnomAD no frequency). This variant has not been reported in the literature in individuals affected with DSTYK-related conditions. ClinVar contains an entry for this variant (Variation ID: 2908359). An algorithm developed to predict the effect of missense changes on protein structure and function (PolyPhen-2) suggests that this variant is likely to be disruptive. In summary, the available evidence is currently insufficient to determine the role of this variant in disease. Therefore, it has been classified as a Variant of Uncertain Significance.